The following is an entry in ClinVar:

ClinVar aggregate classification (germline): Uncertain significance (1 of 4 stars; one submission).

Conditions:
Peroxisome biogenesis disorder, complementation group 7 (CG7). Also called: Peroxisome biogenesis disorder, complementation group B. Identifiers: MedGen C1864399.

Allele frequency attached by ClinVar (database versions not stated): gnomAD exomes below 0.00001 and 0.00001; TOPMed below 0.00001; gnomAD 0.00001.
gnomAD v4.1: 3 of 1,612,686 alleles (0.00019%); highest among the groups gnomAD compares: Admixed American, 0.005%; no homozygotes.

Submission:

Labcorp Genetics (formerly Invitae), Labcorp
Classification: Uncertain significance for Peroxisome biogenesis disorder, complementation group 7. Last evaluated: 2022-10-25. Review status: criteria provided, single submitter. Criteria: Invitae Variant Classification Sherloc (09022015). Collection method: clinical testing. Allele origin: germline.
Comment: ClinVar contains an entry for this variant (Variation ID: 1392132). This variant has not been reported in the literature in individuals affected with PEX10-related conditions. This variant is present in population databases (no rsID available, gnomAD 0.006%). This sequence change replaces glycine, which is neutral and non-polar, with glutamic acid, which is acidic and polar, at codon 124 of the PEX10 protein (p.Gly124Glu). Algorithms developed to predict the effect of missense changes on protein structure and function (SIFT, PolyPhen-2, Align-GVGD) all suggest that this variant is likely to be tolerated. In summary, the available evidence is currently insufficient to determine the role of this variant in disease. Therefore, it has been classified as a Variant of Uncertain Significance. Algorithms developed to predict the effect of sequence changes on RNA splicing suggest that this variant may create or strengthen a splice site.

NM_002617.4(PEX10):c.371G>A (p.Gly124Glu)

Gene: PEX10 (peroxisomal biogenesis factor 10; minus strand). Cytogenetic location: 1p36.32.
Variant type: single nucleotide variant.
Coding change: c.371G>A on transcript NM_002617.4 (MANE Select); coding-DNA position 371, G replaced by A.
Protein change: p.Gly124Glu; replaces glycine 124 with glutamic acid.
Molecular consequence: missense variant. On other transcripts: 5 prime UTR variant (2), non-coding transcript variant (1).
Genome position (GRCh38, 1-based): chr1:2,408,681, C>T on the plus strand (G>A on the coding strand, the complement: PEX10 is on the minus strand). VCF-style: chr1-2408681-C-T. GRCh37 (hg19) VCF-style: chr1-2340120-C-T.
Other names: c.371G>A, p.Gly124Glu (NM_001374425.1, NM_153818.2); c.-62G>A (NM_001374426.1, NM_001374427.1); short protein forms G124E.
Identifiers: ClinVar variation 1392132 (VCV001392132.6), dbSNP rs1169193497, ClinGen allele CA337988270.